The following is an entry in ClinVar:

ClinVar aggregate classification (germline): Benign/Likely benign. Review status: criteria provided, multiple submitters, no conflicts (2 of 4 stars). 4 submissions from 4 submitters: Benign (1); Likely benign (3). Last evaluated 2025-12-02.

Conditions:
SCN2A-related disorder. Also called: SCN2A-related disorders; SCN2A-related condition. Identifiers: MedGen CN382226, MONDO:1060245.
Developmental and epileptic encephalopathy, 11 (DEE11). Also called: Early infantile epileptic encephalopathy 11. Identifiers: Orphanet 1934, MedGen C3150987, MONDO:0013388, OMIM 613721.
Seizures, benign familial infantile, 3 (BFIS3). Also called: CONVULSIONS, BENIGN FAMILIAL INFANTILE, 3; Familial neonatal seizures. Identifiers: Orphanet 140927, Orphanet 306, MedGen C1843140, MONDO:0011904, OMIM 607745.

Allele frequency attached by ClinVar (database versions not stated): gnomAD exomes 0.00013 and 0.00025; ExAC 0.00032; 1000 Genomes Project 0.00040; 1000 Genomes Project 30x 0.00047; gnomAD below 0.00001 and 0.00007; TOPMed 0.00003.
gnomAD v4.1: 199 of 1,614,020 alleles (0.012%); highest among the groups gnomAD compares: South Asian, 0.2%; 3 homozygotes.

Submissions (4):

PreventionGenetics, part of Exact Sciences
Classification: Likely benign for SCN2A-related condition. Last evaluated: 2025-12-02. Review status: criteria provided, single submitter. Criteria: ACMG Guidelines, 2015. Collection method: clinical testing. Allele origin: germline.
Comment: This variant is classified as likely benign based on ACMG/AMP sequence variant interpretation guidelines (Richards et al. 2015 PMID: 25741868, with internal and published modifications).

Labcorp Genetics (formerly Invitae), Labcorp
Classification: Benign for Seizures, benign familial infantile, 3; Developmental and epileptic encephalopathy, 11. Last evaluated: 2025-04-12. Review status: criteria provided, single submitter. Criteria: Invitae Variant Classification Sherloc (09022015). Collection method: clinical testing. Allele origin: germline.

CeGaT Center for Human Genetics Tuebingen
Classification: Likely benign. Last evaluated: 2024-09-01. Review status: criteria provided, single submitter. Criteria: CeGaT Center For Human Genetics Tuebingen Variant Classification Criteria Version 2. Collection method: clinical testing. Allele origin: germline. Affected: yes. Observed: 1 variant allele.
Comment: SCN2A: BP4, BP7, BS1

GeneDx
Classification: Likely benign. Last evaluated: 2016-08-03. Review status: criteria provided, single submitter. Criteria: GeneDx Variant Classification (06012015). Collection method: clinical testing. Allele origin: germline. Affected: yes.
Comment: This variant is considered likely benign or benign based on one or more of the following criteria: it is a conservative change, it occurs at a poorly conserved position in the protein, it is predicted to be benign by multiple in silico algorithms, and/or has population frequency not consistent with disease.

NM_001040142.2(SCN2A):c.4944G>A (p.Thr1648=)

Gene: SCN2A (sodium voltage-gated channel alpha subunit 2; plus strand). Cytogenetic location: 2q24.3.
Variant type: single nucleotide variant.
Coding change: c.4944G>A on transcript NM_001040142.2 (MANE Select); coding-DNA position 4944, G replaced by A.
Protein change: p.Thr1648=; no amino-acid change (threonine 1648 retained).
Molecular consequence: synonymous variant.
Genome position (GRCh38, 1-based): chr2:165,388,750, G>A. VCF-style: chr2-165388750-G-A. GRCh37 (hg19) VCF-style: chr2-166245260-G-A.
Other names: c.4944G>A, p.Thr1648= (NM_001040143.2, NM_001371246.1, NM_001371247.1 and 1 more transcripts).
Identifiers: ClinVar variation 381698 (VCV000381698.26), dbSNP rs565309819, ClinGen allele CA1940355.